The following is an entry in ClinVar:

ClinVar aggregate classification (germline): Uncertain significance. Review status: criteria provided, multiple submitters, no conflicts (2 of 4 stars). 2 submissions from 2 submitters: Uncertain significance (2). Last evaluated 2021-04-29.

Submissions (2):

Labcorp Genetics (formerly Invitae), Labcorp
Classification: Uncertain significance. Last evaluated: 2021-04-29. Review status: criteria provided, single submitter. Criteria: Invitae Variant Classification Sherloc (09022015). Collection method: clinical testing. Allele origin: germline.
Comment: In summary, the available evidence is currently insufficient to determine the role of this variant in disease. Therefore, it has been classified as a Variant of Uncertain Significance. Advanced modeling of protein sequence and biophysical properties (such as structural, functional, and spatial information, amino acid conservation, physicochemical variation, residue mobility, and thermodynamic stability) performed at Invitae indicates that this missense variant is not expected to disrupt COL9A3 protein function. This variant has not been reported in the literature in individuals with COL9A3-related conditions. This variant is not present in population databases (ExAC no frequency). This sequence change replaces histidine with tyrosine at codon 383 of the COL9A3 protein (p.His383Tyr). The histidine residue is moderately conserved and there is a moderate physicochemical difference between histidine and tyrosine.

Blueprint Genetics
Classification: Uncertain significance. Last evaluated: 2019-06-20. Review status: criteria provided, single submitter. Criteria: ACMG Guidelines, 2015. Collection method: clinical testing. Allele origin: germline.

NM_001853.4(COL9A3):c.1147C>T (p.His383Tyr)

Gene: COL9A3 (collagen type IX alpha 3 chain; plus strand). Cytogenetic location: 20q13.33.
Variant type: single nucleotide variant.
Coding change: c.1147C>T on transcript NM_001853.4 (MANE Select); coding-DNA position 1147, C replaced by T.
Protein change: p.His383Tyr; replaces histidine 383 with tyrosine.
Molecular consequence: missense variant.
Genome position (GRCh38, 1-based): chr20:62,829,805, C>T. VCF-style: chr20-62829805-C-T. GRCh37 (hg19) VCF-style: chr20-61461157-C-T.
Other names: short protein forms H383Y.
Identifiers: ClinVar variation 1398170 (VCV001398170.9), dbSNP rs2147216019, ClinGen allele CA409593773.